The following is an entry in ClinVar:

NM_000443.4(ABCB4):c.2387T>C (p.Leu796Pro)

Gene: ABCB4 (ATP binding cassette subfamily B member 4; minus strand). Cytogenetic location: 7q21.12.
Variant type: single nucleotide variant.
Coding change: c.2387T>C on transcript NM_000443.4 (MANE Select); coding-DNA position 2387, T replaced by C.
Protein change: p.Leu796Pro; replaces leucine 796 with proline.
Molecular consequence: missense variant.
Genome position (GRCh38, 1-based): chr7:87,420,005, A>G on the plus strand (T>C on the coding strand, the complement: ABCB4 is on the minus strand). VCF-style: chr7-87420005-A-G. GRCh37 (hg19) VCF-style: chr7-87049321-A-G.
Other names: c.2387T>C, p.Leu796Pro (NM_018849.3, NM_018850.3); short protein forms L796P.
Identifiers: ClinVar variation 4846548 (VCV004846548.1).
Genomic context (GRCh38, chr7:87,420,005, plus strand): 5'-AATATGGAAGAAATGTGAAAGATCAGAAGGCATTCTCCAGCGCACACTCCTACCTGTCTT[A>G]GCATTGCTTTAAAAGCCATTGACCGCAGTCTTCTGGTGAGGATCTCGCCAGCTTTCCCAA-3'
Protein context (NP_000434.1, residues 786-806): RLRSMAFKAM[Leu796Pro]RQDMSWFDDH

ClinVar aggregate classification (germline): Uncertain significance (1 of 4 stars; one submission).

Conditions:
Familial intrahepatic cholestasis. Identifiers: Orphanet 284385, MedGen CN296401, MONDO:0017290.
Low phospholipid associated cholelithiasis (GBD1). Also called: Gallbladder disease 1; Gallstone cholecystitis. Identifiers: Orphanet 69663, MedGen C2609268, MONDO:0010939, OMIM 600803.

Submission:

Genomenon, Inc
Classification: Uncertain significance for Familial intrahepatic cholestasis; Low phospholipid associated cholelithiasis. Last evaluated: 2026-04-14. Review status: criteria provided, single submitter. Criteria: Genomenon Sequence Variant Interpretation Standards - Updated. Collection method: curation. Allele origin: germline. Affected: no.
Comment: ABCB4 p.Leu796Pro (c.2387T>C) is a missense variant that changes the amino acid at residue 796 from Leucine to Proline. This variant has been reported in the published literature (PMID:38374565). It is absent or not present at a significant frequency in gnomAD. In silico models predict that this variant is possibly or probably damaging. In conclusion, we classify ABCB4 p.Leu796Pro (c.2387T>C) as a variant of uncertain significance.

Literature cited by the submitters: PubMed 38374565.